The following is an entry in ClinVar:

NM_003242.6(TGFBR2):c.1197G>A (p.Gly399=)

Gene: TGFBR2 (transforming growth factor beta receptor 2; plus strand). Cytogenetic location: 3p24.1.
Variant type: single nucleotide variant.
Coding change: c.1197G>A on transcript NM_003242.6 (MANE Select); coding-DNA position 1197, G replaced by A.
Protein change: p.Gly399=; no amino-acid change (glycine 399 retained).
Molecular consequence: synonymous variant. On other transcripts: intron variant (1).
Genome position (GRCh38, 1-based): chr3:30,672,380, G>A. VCF-style: chr3-30672380-G-A. GRCh37 (hg19) VCF-style: chr3-30713872-G-A.
Other names: c.1272G>A, p.Gly424= (NM_001024847.3); c.1380G>A, p.Gly460= (NM_001407126.1); c.1305G>A, p.Gly435= (NM_001407127.1); c.1224G>A, p.Gly408= (NM_001407128.1); c.1200G>A, p.Gly400= (NM_001407129.1); c.1197G>A, p.Gly399= (NM_001407130.1); c.1092G>A, p.Gly364= (NM_001407132.1, NM_001407133.1, NM_001407134.1 and 2 more transcripts); c.912G>A, p.Gly304= (NM_001407137.1); and 2 more.
Identifiers: ClinVar variation 3073548 (VCV003073548.1), dbSNP rs2125436861, ClinGen allele CA432917629.

ClinVar aggregate classification (germline): Likely benign (1 of 4 stars; one submission).

Conditions:
Loeys-Dietz syndrome 2 (LDS2). Also called: TGFBR2-Related Loeys-Dietz Syndrome; AORTIC ANEURYSM, FAMILIAL THORACIC 3; MARFAN SYNDROME, TYPE II; Marfan syndrome, type 2 (formerly); Marfan Syndrome type 2; Marfan like connective tissue disorder. Identifiers: Orphanet 284973, Orphanet 558, MedGen C2674574, MONDO:0012427, OMIM 610168.

Allele frequency attached by ClinVar (database versions not stated): gnomAD exomes below 0.00001.
gnomAD v4.1: 1 of 1,614,182 alleles (0.000062%); highest among the groups gnomAD compares: Non-Finnish European, 0.000085%; no homozygotes.

Submission:

All of Us Research Program, National Institutes of Health
Classification: Likely benign for Loeys-Dietz syndrome 2. Last evaluated: 2023-10-02. Review status: criteria provided, single submitter. Criteria: ACMG Guidelines, 2015. Collection method: clinical testing. Allele origin: germline. Inheritance: Autosomal dominant inheritance. Observed: 1 variant allele, 1 heterozygote.
Comment: This study involves interpretation of variants in research participants for the purpose of population health screening. Participant phenotype was not available at the time of variant classification. Additional details can be found in publication PMID: 35346344, PMCID: PMC8962531